The following is an entry in ClinVar:

ClinVar aggregate classification (germline): Uncertain significance. Review status: criteria provided, multiple submitters, no conflicts (2 of 4 stars). 2 submissions from 2 submitters: Uncertain significance (2). Last evaluated 2026-04-28.

Conditions:
Hereditary cancer-predisposing syndrome. Also called: Tumor predisposition; Hereditary neoplastic syndrome; Neoplastic Syndromes, Hereditary; Hereditary Cancer Syndrome. Identifiers: Orphanet 140162, MedGen C0027672, MeSH D009386, MONDO:0015356.
Gorlin syndrome. Also called: Basal cell nevus syndrome; Nevoid Basal Cell Carcinoma Syndrome. Identifiers: Orphanet 377, MedGen C0004779, MONDO:0007187.

Allele frequency attached by ClinVar (database versions not stated): gnomAD exomes below 0.00001.
gnomAD v4.1: 1 of 1,614,140 alleles (0.000062%); highest among the groups gnomAD compares: South Asian, 0.0011%; no homozygotes.

Submissions (2):

Ambry Genetics
Classification: Uncertain significance for Hereditary cancer-predisposing syndrome. Last evaluated: 2026-04-28. Review status: criteria provided, single submitter. Criteria: Ambry Variant Classification Scheme 2023. Collection method: clinical testing. Allele origin: germline.
Comment: The p.A793T variant (also known as c.2377G>A), located in coding exon 15 of the PTCH1 gene, results from a G to A substitution at nucleotide position 2377. The alanine at codon 793 is replaced by threonine, an amino acid with similar properties. This amino acid position is conserved. In addition, the in silico prediction for this alteration is inconclusive. Based on the available evidence, the clinical significance of this variant remains unclear.

Labcorp Genetics (formerly Invitae), Labcorp
Classification: Uncertain significance for Gorlin syndrome. Last evaluated: 2023-09-26. Review status: criteria provided, single submitter. Criteria: Invitae Variant Classification Sherloc (09022015). Collection method: clinical testing. Allele origin: germline.
Comment: In summary, the available evidence is currently insufficient to determine the role of this variant in disease. Therefore, it has been classified as a Variant of Uncertain Significance. Advanced modeling of protein sequence and biophysical properties (such as structural, functional, and spatial information, amino acid conservation, physicochemical variation, residue mobility, and thermodynamic stability) performed at Invitae indicates that this missense variant is not expected to disrupt PTCH1 protein function. ClinVar contains an entry for this variant (Variation ID: 524590). This variant has not been reported in the literature in individuals affected with PTCH1-related conditions. This variant is not present in population databases (gnomAD no frequency). This sequence change replaces alanine, which is neutral and non-polar, with threonine, which is neutral and polar, at codon 793 of the PTCH1 protein (p.Ala793Thr).

NM_000264.5(PTCH1):c.2377G>A (p.Ala793Thr)

Genes: PTCH1 (patched 1; minus strand), LOC100507346 (uncharacterized LOC100507346; plus strand). Cytogenetic location: 9q22.32.
Variant type: single nucleotide variant.
Coding change: c.2377G>A on transcript NM_000264.5 (MANE Select); coding-DNA position 2377, G replaced by A.
Protein change: p.Ala793Thr; replaces alanine 793 with threonine.
Molecular consequence: missense variant.
Genome position (GRCh38, 1-based): chr9:95,467,299, C>T on the plus strand (G>A on the coding strand, the complement: PTCH1 is on the minus strand). VCF-style: chr9-95467299-C-T. GRCh37 (hg19) VCF-style: chr9-98229581-C-T.
Other names: c.2179G>A, p.Ala727Thr (NM_001083602.3); c.2374G>A, p.Ala792Thr (NM_001083603.3); c.1924G>A, p.Ala642Thr (NM_001083604.3, NM_001083605.3, NM_001083606.3 and 1 more transcripts); c.2221G>A, p.Ala741Thr (NM_001354918.2); short protein forms A727T, A793T, A642T, A792T, A741T.
Identifiers: ClinVar variation 524590 (VCV000524590.10), dbSNP rs1554694390, ClinGen allele CA374114433.
Genomic context (GRCh38, chr9:95,467,299, plus strand): 5'-GGTAGTCTGCTTTCTGGGTGACTATATACATGTTGTAGAAAGAAAAGTATTTGAATTGTG[C>T]AGCAATAAAGTCATATTCTCTGGTTTCCCGAGGTACAATGTCCGTAAGGTCCAGCCCGTC-3'
Protein context (NP_000255.2, residues 783-803): RETREYDFIA[Ala793Thr]QFKYFSFYNM